The following is an entry in ClinVar:

NM_015278.5(SASH1):c.3501G>A (p.Thr1167=)

Gene: SASH1 (SAM and SH3 domain containing 1; plus strand). Cytogenetic location: 6q25.1.
Variant type: single nucleotide variant.
Coding change: c.3501G>A on transcript NM_015278.5 (MANE Select); coding-DNA position 3501, G replaced by A.
Protein change: p.Thr1167=; no amino-acid change (threonine 1167 retained).
Molecular consequence: synonymous variant.
Genome position (GRCh38, 1-based): chr6:148,548,315, G>A. VCF-style: chr6-148548315-G-A. GRCh37 (hg19) VCF-style: chr6-148869451-G-A.
Other names: c.3366G>A, p.Thr1122= (NM_001346505.2); c.3129G>A, p.Thr1043= (NM_001346506.2); c.2784G>A, p.Thr928= (NM_001346507.2); c.3273G>A, p.Thr1091= (NM_001346508.2); c.3150G>A, p.Thr1050= (NM_001346509.2).
Identifiers: ClinVar variation 3029134 (VCV003029134.2), dbSNP rs748195660, ClinGen allele CA4040899.

ClinVar aggregate classification (germline): Likely benign (0 of 4 stars; one submission).

Conditions:
SASH1-related disorder. Also called: SASH1-related condition.

Allele frequency attached by ClinVar (database versions not stated): gnomAD exomes 0.00001; TOPMed 0.00002; ExAC 0.00003.
gnomAD v4.1: 20 of 1,612,764 alleles (0.0012%); highest among the groups gnomAD compares: Admixed American, 0.0084%; no homozygotes.

Submission:

PreventionGenetics, part of Exact Sciences
Classification: Likely benign for SASH1-related condition. Last evaluated: 2023-07-25. Review status: no assertion criteria provided. Collection method: clinical testing. Allele origin: germline.
Comment: This variant is classified as likely benign based on ACMG/AMP sequence variant interpretation guidelines (Richards et al. 2015 PMID: 25741868, with internal and published modifications).